The following is an entry in ClinVar:

NM_022552.5(DNMT3A):c.733C>T (p.Pro245Ser)

Gene: DNMT3A (DNA methyltransferase 3 alpha; minus strand). Cytogenetic location: 2p23.3.
Variant type: single nucleotide variant.
Coding change: c.733C>T on transcript NM_022552.5 (MANE Select); coding-DNA position 733, C replaced by T.
Protein change: p.Pro245Ser; replaces proline 245 with serine.
Molecular consequence: missense variant. On other transcripts: non-coding transcript variant (1).
Genome position (GRCh38, 1-based): chr2:25,248,159, G>A on the plus strand (C>T on the coding strand, the complement: DNMT3A is on the minus strand). VCF-style: chr2-25248159-G-A. GRCh37 (hg19) VCF-style: chr2-25471028-G-A.
Other names: c.277C>T, p.Pro93Ser (NM_001320893.1); c.64C>T, p.Pro22Ser (NM_001375819.1); c.166C>T, p.Pro56Ser (NM_153759.3); c.733C>T, p.Pro245Ser (NM_175629.2); short protein forms P22S, P245S, P56S, P93S.
Identifiers: ClinVar variation 3841811 (VCV003841811.2).

ClinVar aggregate classification (germline): Uncertain significance. Review status: criteria provided, multiple submitters, no conflicts (2 of 4 stars). 2 submissions from 2 submitters: Uncertain significance (2). Last evaluated 2025-09-10.

Conditions:
Inborn genetic diseases. Identifiers: MedGen C0950123, MeSH D030342.
Tatton-Brown-Rahman overgrowth syndrome. Also called: Tall stature-intellectual disability-facial dysmorphism syndrome; Tatton-Brown-Rahman syndrome. Identifiers: Orphanet 404443, MedGen C4014545, MONDO:0014382, OMIM 615879.

gnomAD v4.1: 2 of 1,613,856 alleles (0.00012%); highest among the groups gnomAD compares: African/African-American, 0.0027%; no homozygotes.

Submissions (2):

Genomic Medicine Center of Excellence, King Faisal Specialist Hospital and Research Centre
Classification: Uncertain significance for Tatton-Brown-Rahman overgrowth syndrome. Last evaluated: 2025-09-10. Review status: criteria provided, single submitter. Criteria: ACMG Guidelines, 2015. Collection method: clinical testing. Allele origin: germline.

Ambry Genetics
Classification: Uncertain significance for Inborn genetic diseases. Last evaluated: 2025-03-07. Review status: criteria provided, single submitter. Criteria: Ambry Variant Classification Scheme 2023. Collection method: clinical testing. Allele origin: germline.
Comment: The p.P245S variant (also known as c.733C>T), located in coding exon 6 of the DNMT3A gene, results from a C to T substitution at nucleotide position 733. The proline at codon 245 is replaced by serine, an amino acid with similar properties. This amino acid position is conserved. In addition, the in silico prediction for this alteration is inconclusive. Based on the available evidence, the clinical significance of this variant remains unclear.